The following is an entry in ClinVar:

ClinVar aggregate classification (germline): Uncertain significance. Review status: criteria provided, multiple submitters, no conflicts (2 of 4 stars). 2 submissions from 2 submitters: Uncertain significance (2). Last evaluated 2022-06-08.

Conditions:
LAMA2-related muscular dystrophy (LAMA2-RD). Also called: Laminin alpha 2-related dystrophy. Identifiers: MedGen C5679788, MONDO:0100228.

gnomAD v4.1: 2 of 1,613,214 alleles (0.00012%); highest among the groups gnomAD compares: Non-Finnish European, 0.00017%; no homozygotes.

Submissions (2):

Revvity Omics, Revvity
Classification: Uncertain significance. Last evaluated: 2022-06-08. Review status: criteria provided, single submitter. Criteria: ACMG Guidelines, 2015. Collection method: clinical testing. Allele origin: germline.

Labcorp Genetics (formerly Invitae), Labcorp
Classification: Uncertain significance for LAMA2-related muscular dystrophy. Last evaluated: 2022-02-24. Review status: criteria provided, single submitter. Criteria: Invitae Variant Classification Sherloc (09022015). Collection method: clinical testing. Allele origin: germline.
Comment: In summary, the available evidence is currently insufficient to determine the role of this variant in disease. Therefore, it has been classified as a Variant of Uncertain Significance. Advanced modeling of protein sequence and biophysical properties (such as structural, functional, and spatial information, amino acid conservation, physicochemical variation, residue mobility, and thermodynamic stability) performed at Invitae indicates that this missense variant is not expected to disrupt LAMA2 protein function. This variant has not been reported in the literature in individuals affected with LAMA2-related conditions. This variant is not present in population databases (gnomAD no frequency). This sequence change replaces leucine, which is neutral and non-polar, with arginine, which is basic and polar, at codon 811 of the LAMA2 protein (p.Leu811Arg).

NM_000426.4(LAMA2):c.2432T>G (p.Leu811Arg)

Gene: LAMA2 (laminin subunit alpha 2; plus strand). Cytogenetic location: 6q22.33.
Variant type: single nucleotide variant.
Coding change: c.2432T>G on transcript NM_000426.4 (MANE Select); coding-DNA position 2432, T replaced by G.
Protein change: p.Leu811Arg; replaces leucine 811 with arginine.
Molecular consequence: missense variant.
Genome position (GRCh38, 1-based): chr6:129,270,733, T>G. VCF-style: chr6-129270733-T-G. GRCh37 (hg19) VCF-style: chr6-129591878-T-G.
Other names: c.2432T>G, p.Leu811Arg (NM_001079823.2); short protein forms L811R.
Identifiers: ClinVar variation 1896701 (VCV001896701.8), dbSNP rs2482210828, ClinGen allele CA365609218.
Genomic context (GRCh38, chr6:129,270,733, plus strand): 5'-GTTTCTATGGCGAGCCTACTAAAGGAACCTCTGAAGACTGTCAACCCTGTGCCTGTCCAC[T>G]CAATATCCCATCCAATAAGTAAGTAACAAACTTACCCCATGAATAAGCTCAGCATCCATT-3'
Protein context (NP_000417.3, residues 801-821): SEDCQPCACP[Leu811Arg]NIPSNNFSPT